The following is an entry in ClinVar:

NC_000021.8:g.(?_36164432)_(37834775_?)del

Genes: CBR1 (carbonyl reductase 1; plus strand), CBR3 (carbonyl reductase 3; plus strand), CHAF1B (chromatin assembly factor 1 subunit B; plus strand), CLDN14 (claudin 14; minus strand), DOP1B (DOP1 leucine zipper like protein B; plus strand) and 3 more. Cytogenetic location: 21q22.12-22.13.
Variant type: Deletion.
Identifiers: ClinVar variation 3248151 (VCV003248151.1).

ClinVar aggregate classification (germline): Pathogenic (1 of 4 stars; one submission).

Conditions:
Hereditary thrombocytopenia and hematological cancer predisposition syndrome associated with RUNX1. Also called: Familial Platelet Disorder with Propensity to Acute Myelogenous Leukemia; Familial thrombocytopenia with propensity to acute myelogenous leukemia; PLATELET DISORDER, ASPIRIN-LIKE; RUNX1 Familial Platelet Disorder with Associated Myeloid Malignancies. Identifiers: Orphanet 71290, MedGen C1832388, MeSH C563324, MONDO:0100083, OMIM 601399.

Submission:

Labcorp Genetics (formerly Invitae), Labcorp
Classification: Pathogenic for Hereditary thrombocytopenia and hematological cancer predisposition syndrome associated with RUNX1. Last evaluated: 2023-03-18. Review status: criteria provided, single submitter. Criteria: Invitae Variant Classification Sherloc (09022015). Collection method: clinical testing. Allele origin: unknown.
Comment: For these reasons, this variant has been classified as Pathogenic. This variant has not been reported in the literature in individuals affected with RUNX1-related conditions. A gross deletion of the genomic region encompassing the full coding sequence of the RUNX1 gene has been identified. Loss-of-function variants in RUNX1 are known to be pathogenic (PMID: 18723428, 24100448). The boundaries of this event are unknown as they extend beyond the assayed region for this gene and therefore may encompass additional genes.

Literature cited by the submitters: PubMed 18723428; PubMed 24100448.